The following is an entry in ClinVar:

ClinVar aggregate classification (germline): Pathogenic. Review status: criteria provided, single submitter (1 of 4 stars). 2 submissions from 2 submitters: Pathogenic (1). 1 of the submissions does not count toward it. Last evaluated 2024-02-23.

Conditions:
Medulloblastoma (MDB). Also called: MEDULLOBLASTOMA PREDISPOSITION SYNDROME; Medulloblastoma, somatic. Identifiers: Orphanet 616, MedGen C0025149, MeSH D008527, MONDO:0007959, OMIM 155255, HP:0002885.
Gorlin syndrome. Also called: Nevoid Basal Cell Carcinoma Syndrome; Basal cell nevus syndrome. Identifiers: Orphanet 377, MedGen C0004779, MONDO:0007187.
Congenital fibrosarcoma. Also called: Infantile fibrosarcoma. Identifiers: MedGen C0334459, MONDO:0004557.

Submissions (2):

Labcorp Genetics (formerly Invitae), Labcorp
Classification: Pathogenic for Gorlin syndrome; Medulloblastoma. Last evaluated: 2024-02-23. Review status: criteria provided, single submitter. Criteria: Invitae Variant Classification Sherloc (09022015). Collection method: clinical testing. Allele origin: germline.
Comment: This sequence change creates a premature translational stop signal (p.Glu283Argfs*30) in the SUFU gene. It is expected to result in an absent or disrupted protein product. Loss-of-function variants in SUFU are known to be pathogenic (PMID: 22508808, 25403219, 33024317). This variant is not present in population databases (gnomAD no frequency). This premature translational stop signal has been observed in individual(s) with SUFU-related conditions (PMID: 35768194). ClinVar contains an entry for this variant (Variation ID: 2413121). For these reasons, this variant has been classified as Pathogenic.

St. Jude Molecular Pathology, St. Jude Children's Research Hospital
Classification: Likely pathogenic for Congenital fibrosarcoma. Last evaluated: 2022-05-10. Review status: no assertion criteria provided. Collection method: clinical testing. Allele origin: somatic. Affected: yes. Not counted in ClinVar's aggregate classification.

Literature cited by the submitters: PubMed 22508808 (cited by Labcorp Genetics (formerly Invitae), Labcorp); PubMed 25403219 (cited by Labcorp Genetics (formerly Invitae), Labcorp); PubMed 33024317 (cited by Labcorp Genetics (formerly Invitae), Labcorp); PubMed 35768194 (cited by Labcorp Genetics (formerly Invitae), Labcorp).

NM_016169.4(SUFU):c.846del (p.Glu283fs)

Gene: SUFU (SUFU negative regulator of hedgehog signaling; plus strand). Cytogenetic location: 10q24.32.
Variant type: Deletion.
Coding change: c.846del on transcript NM_016169.4 (MANE Select); coding-DNA position 846, one base deleted (C; older notation c.846delC).
Protein change: p.Glu283fs; shifts the reading frame from glutamic acid 283.
Molecular consequence: frameshift variant.
Genome position (GRCh38, 1-based): chr10:102,597,229, C deleted; the last of 6 consecutive C bases (chr10:102,597,224-102,597,229); deleting any one gives the same sequence. VCF-style (leftmost placement, unchanged base first): chr10-102597223-GC-G. GRCh37 (hg19) VCF-style: chr10-104356980-GC-G.
Other names: c.846del, p.Glu283fs (NM_001178133.2); c.846delC, p.Glu283Argfs (NM_016169.3); short protein forms E283fs.
Identifiers: ClinVar variation 2413121 (VCV002413121.5), dbSNP rs1477199832, ClinGen allele CA2580081194.